The following is an entry in ClinVar:

ClinVar aggregate classification (germline): Likely benign. Review status: criteria provided, single submitter (1 of 4 stars). 2 submissions from 2 submitters: Likely benign (1). 1 of the submissions does not count toward it. Last evaluated 2026-01-14.

Conditions:
Jeune thoracic dystrophy. Also called: Jeune syndrome; Infantile thoracic dystrophy; Thoracic pelvic phalangeal dystrophy; Jeune's syndrome; Chondroectodermal dysplasia-like syndrome; Short-rib thoracic dysplasia. Identifiers: Orphanet 474, MedGen C0265275, MONDO:0018770.
DYNC2H1-related disorder. Also called: DYNC2H1-related disorders; DYNC2H1-related condition. Identifiers: MedGen CN378770.

Allele frequency attached by ClinVar (database versions not stated): ExAC 0.00003; gnomAD exomes 0.00005.
gnomAD v4.1: 70 of 1,602,256 alleles (0.0044%); highest among the groups gnomAD compares: Non-Finnish European, 0.0055%; no homozygotes.

Submissions (2):

Labcorp Genetics (formerly Invitae), Labcorp
Classification: Likely benign for Jeune thoracic dystrophy. Last evaluated: 2026-01-14. Review status: criteria provided, single submitter. Criteria: Invitae Variant Classification Sherloc (09022015). Collection method: clinical testing. Allele origin: germline.

PreventionGenetics, part of Exact Sciences
Classification: Likely benign for DYNC2H1-related condition. Last evaluated: 2019-05-15. Review status: no assertion criteria provided. Collection method: clinical testing. Allele origin: germline. Not counted in ClinVar's aggregate classification.
Comment: This variant is classified as likely benign based on ACMG/AMP sequence variant interpretation guidelines (Richards et al. 2015 PMID: 25741868, with internal and published modifications).

NM_001377.3(DYNC2H1):c.3414A>G (p.Gln1138=)

Gene: DYNC2H1 (dynein cytoplasmic 2 heavy chain 1; plus strand). Cytogenetic location: 11q22.3.
Variant type: single nucleotide variant.
Coding change: c.3414A>G on transcript NM_001377.3 (MANE Select); coding-DNA position 3414, A replaced by G.
Protein change: p.Gln1138=; no amino-acid change (glutamine 1138 retained).
Molecular consequence: synonymous variant.
Genome position (GRCh38, 1-based): chr11:103,154,562, A>G. VCF-style: chr11-103154562-A-G. GRCh37 (hg19) VCF-style: chr11-103025291-A-G.
Other names: c.3414A>G (NM_001080463.1); c.3414A>G, p.Gln1138= (NM_001080463.2).
Identifiers: ClinVar variation 2955389 (VCV002955389.5), dbSNP rs764238948, ClinGen allele CA6253312.